The following is an entry in ClinVar:

ClinVar aggregate classification (germline): Likely benign (1 of 4 stars; one submission).

Conditions:
IDH3B-related disorder. Also called: IDH3B-related condition.

gnomAD v4.1: 1 of 1,614,218 alleles (0.000062%); highest among the groups gnomAD compares: Admixed American, 0.0017%; no homozygotes.

Submission:

PreventionGenetics, part of Exact Sciences
Classification: Likely benign for IDH3B-related condition. Last evaluated: 2026-06-20. Review status: criteria provided, single submitter. Criteria: ACMG Guidelines, 2015. Collection method: clinical testing. Allele origin: germline.
Comment: This variant is classified as likely benign based on ACMG/AMP sequence variant interpretation guidelines (Richards et al. 2015 PMID: 25741868, with internal and published modifications).

NM_006899.5(IDH3B):c.531+6G>A

Gene: IDH3B (isocitrate dehydrogenase (NAD(+)) 3 non-catalytic subunit beta; minus strand). Cytogenetic location: 20p13.
Variant type: single nucleotide variant.
Coding change: c.531+6G>A on transcript NM_006899.5 (MANE Select); 6 bases into the intron after coding-DNA position 531, G replaced by A.
Molecular consequence: intron variant.
Genome position (GRCh38, 1-based): chr20:2,660,691, C>T on the plus strand (G>A on the coding strand, the complement: IDH3B is on the minus strand). VCF-style: chr20-2660691-C-T. GRCh37 (hg19) VCF-style: chr20-2641337-C-T.
Other names: c.531+6G>A (NM_174855.4, NM_001330763.2, NM_001258384.3).
Identifiers: ClinVar variation 4985319 (VCV004985319.1).
Genomic context (GRCh38, chr20:2,660,691, plus strand): 5'-GGAAACAAGGAGCTCCACCTCTCTCCCATCTTCATCCTTGCCCTCCCCCAGTTTCTGGGG[C>T]CTCACCTCATGTTCCAGAGAGCTGTACTCCCCTTCTGTCTGCTCTCGAATGATCACCAGG-3'